The following is an entry in ClinVar:

NM_004415.4(DSP):c.502G>T (p.Gly168Cys)

Gene: DSP (desmoplakin; plus strand). Cytogenetic location: 6p24.3.
Variant type: single nucleotide variant.
Coding change: c.502G>T on transcript NM_004415.4 (MANE Select); coding-DNA position 502, G replaced by T.
Protein change: p.Gly168Cys; replaces glycine 168 with cysteine.
Molecular consequence: missense variant.
Genome position (GRCh38, 1-based): chr6:7,559,305, G>T. VCF-style: chr6-7559305-G-T. GRCh37 (hg19) VCF-style: chr6-7559538-G-T.
Other names: c.502G>T, p.Gly168Cys (NM_001008844.3, NM_001319034.2, NM_001406591.1); short protein forms G168C.
Identifiers: ClinVar variation 4757473 (VCV004757473.1).

ClinVar aggregate classification (germline): Uncertain significance (1 of 4 stars; one submission).

Conditions:
Cardiomyopathy (CMYO). Also called: Cardiomyopathies. Identifiers: Orphanet 167848, MedGen C0878544, MONDO:0004994, HP:0001638. Inheritance: Various modes of inheritance.

Submission:

Color Diagnostics, LLC DBA Color Health
Classification: Uncertain significance for Cardiomyopathy. Last evaluated: 2025-07-09. Review status: criteria provided, single submitter. Criteria: ACMG Guidelines, 2015. Collection method: clinical testing. Allele origin: germline.
Comment: This missense variant replaces glycine with cysteine at codon 168 of the DSP protein. Computational prediction suggests that this variant may not impact protein structure and function. To our knowledge, functional studies have not been reported for this variant. This variant has not been reported in individuals affected with DSP-related disorders in the literature. This variant has not been identified in the general population by the Genome Aggregation Database (gnomAD). The available evidence is insufficient to determine the role of this variant in disease conclusively. Therefore, this variant is classified as a Variant of Uncertain Significance.